The following is an entry in ClinVar:

ClinVar aggregate classification (germline): Conflicting classifications of pathogenicity. Review status: criteria provided, conflicting classifications (1 of 4 stars). 3 submissions from 2 submitters: Uncertain significance (2); Likely benign (1). Last evaluated 2022-07-22.

Conditions:
Inborn genetic diseases. Identifiers: MedGen C0950123, MeSH D030342.
Pseudohypoaldosteronism, type IB1, autosomal recessive. Also called: PHA I, AUTOSOMAL RECESSIVE; Pseudohypoaldosteronism, Type I, Recessive; Autosomal recessive pseudohypoaldosteronism type 1; Pseudohypoaldosteronism, Type I, Autosomal Recessive. Identifiers: Orphanet 171876, Orphanet 756, MedGen C5774176, MONDO:0009917, OMIM 264350.
Bronchiectasis with or without elevated sweat chloride 2 (BESC2). Identifiers: Orphanet 60033, MedGen C2751666, MONDO:0013087, OMIM 613021.

Allele frequency attached by ClinVar (database versions not stated): TOPMed 0.00006; gnomAD 0.00007; gnomAD exomes 0.00010; ExAC 0.00012; ESP Exome Variant Server 0.00015.
gnomAD v4.1: 121 of 1,608,788 alleles (0.0075%); highest among the groups gnomAD compares: Non-Finnish European, 0.0096%; no homozygotes.

Submissions (3):

Ambry Genetics
Classification: Uncertain significance for Inborn genetic diseases. Last evaluated: 2022-07-22. Review status: criteria provided, single submitter. Criteria: Ambry Variant Classification Scheme 2023. Collection method: clinical testing. Allele origin: germline.

Illumina Laboratory Services, Illumina
Classification: Uncertain significance for Pseudohypoaldosteronism, type IB1, autosomal recessive. Last evaluated: 2018-01-13. Review status: criteria provided, single submitter. Criteria: ICSL Variant Classification Criteria 13 December 2019. Collection method: clinical testing. Allele origin: germline.

Illumina Laboratory Services, Illumina
Classification: Likely benign for Bronchiectasis with or without elevated sweat chloride 2. Last evaluated: 2018-01-13. Review status: criteria provided, single submitter. Criteria: ICSL Variant Classification Criteria 13 December 2019. Collection method: clinical testing. Allele origin: germline.
Comment: This variant was observed in the ICSL laboratory as part of a predisposition screen in an ostensibly healthy population. It had not been previously curated by ICSL or reported in the Human Gene Mutation Database (HGMD: prior to June 1st, 2018), and was therefore a candidate for classification through an automated scoring system. Utilizing variant allele frequency, disease prevalence and penetrance estimates, and inheritance mode, an automated score was calculated to assess if this variant is too frequent to cause the disease. Based on the score and internal cut-off values, a variant classified as likely benign is not then subjected to further curation. The score for this variant resulted in a classification of likely benign for this disease.

NM_001038.6(SCNN1A):c.1394C>T (p.Ser465Phe)

Gene: SCNN1A (sodium channel epithelial 1 subunit alpha; minus strand). Cytogenetic location: 12p13.31.
Variant type: single nucleotide variant.
Coding change: c.1394C>T on transcript NM_001038.6 (MANE Select); coding-DNA position 1394, C replaced by T.
Protein change: p.Ser465Phe; replaces serine 465 with phenylalanine.
Molecular consequence: missense variant.
Genome position (GRCh38, 1-based): chr12:6,349,372, G>A on the plus strand (C>T on the coding strand, the complement: SCNN1A is on the minus strand). VCF-style: chr12-6349372-G-A. GRCh37 (hg19) VCF-style: chr12-6458538-G-A.
Other names: c.1463C>T, p.Ser488Phe (NM_001159575.2); c.1571C>T, p.Ser524Phe (NM_001159576.2); short protein forms S465F, S488F, S524F.
Identifiers: ClinVar variation 882113 (VCV000882113.5), dbSNP rs369382063, ClinGen allele CA6405882.